The following is an entry in ClinVar:

ClinVar aggregate classification (germline): Uncertain significance (1 of 4 stars; one submission).

Conditions:
Inflammatory skin and bowel disease, neonatal, 1. Identifiers: Orphanet 294023, MedGen C3280501, MONDO:0013693, OMIM 614328.

Submission:

Labcorp Genetics (formerly Invitae), Labcorp
Classification: Uncertain significance for Inflammatory skin and bowel disease, neonatal, 1. Last evaluated: 2023-07-07. Review status: criteria provided, single submitter. Criteria: Invitae Variant Classification Sherloc (09022015). Collection method: clinical testing. Allele origin: germline.
Comment: This sequence change replaces valine, which is neutral and non-polar, with isoleucine, which is neutral and non-polar, at codon 434 of the ADAM17 protein (p.Val434Ile). This variant is not present in population databases (gnomAD no frequency). This variant has not been reported in the literature in individuals affected with ADAM17-related conditions. ClinVar contains an entry for this variant (Variation ID: 2015760). An algorithm developed to predict the effect of missense changes on protein structure and function (PolyPhen-2) suggests that this variant is likely to be disruptive. In summary, the available evidence is currently insufficient to determine the role of this variant in disease. Therefore, it has been classified as a Variant of Uncertain Significance.

NM_003183.6(ADAM17):c.1300G>A (p.Val434Ile)

Genes: ADAM17 (ADAM metallopeptidase domain 17; minus strand), IAH1 (isoamyl acetate hydrolyzing esterase 1 (putative); plus strand). Cytogenetic location: 2p25.1.
Variant type: single nucleotide variant.
Coding change: c.1300G>A on transcript NM_003183.6 (MANE Select); coding-DNA position 1300, G replaced by A.
Protein change: p.Val434Ile; replaces valine 434 with isoleucine.
Molecular consequence: missense variant.
Genome position (GRCh38, 1-based): chr2:9,510,023, C>T on the plus strand (G>A on the coding strand, the complement: ADAM17 is on the minus strand). VCF-style: chr2-9510023-C-T. GRCh37 (hg19) VCF-style: chr2-9650152-C-T.
Other names: c.640G>A, p.Val214Ile (NM_001382777.1); c.403G>A, p.Val135Ile (NM_001382778.1); short protein forms V214I, V135I, V434I.
Identifiers: ClinVar variation 2015760 (VCV002015760.4), dbSNP rs2531219301, ClinGen allele CA345778088.